The following is an entry in ClinVar:

NM_005060.4(RORC):c.394C>A (p.Pro132Thr)

Gene: RORC (RAR related orphan receptor C; minus strand). Cytogenetic location: 1q21.3.
Variant type: single nucleotide variant.
Coding change: c.394C>A on transcript NM_005060.4 (MANE Select); coding-DNA position 394, C replaced by A.
Protein change: p.Pro132Thr; replaces proline 132 with threonine.
Molecular consequence: missense variant.
Genome position (GRCh38, 1-based): chr1:151,815,330, G>T on the plus strand (C>A on the coding strand, the complement: RORC is on the minus strand). VCF-style: chr1-151815330-G-T. GRCh37 (hg19) VCF-style: chr1-151787806-G-T.
Other names: c.331C>A, p.Pro111Thr (NM_001001523.2); short protein forms P132T, P111T.
Identifiers: ClinVar variation 2154492 (VCV002154492.4), dbSNP rs770398960, ClinGen allele CA1095928.

ClinVar aggregate classification (germline): Uncertain significance (1 of 4 stars; one submission).

Conditions:
Autosomal recessive mendelian susceptibility to mycobacterial diseases due to complete RORgamma receptor deficiency. Also called: Immunodeficiency 42. Identifiers: Orphanet 477857, MedGen C5567647, MONDO:0014710, OMIM 616622.

Allele frequency attached by ClinVar (database versions not stated): ExAC 0.00001; gnomAD 0.00001; TOPMed 0.00001; gnomAD exomes 0.00002.
gnomAD v4.1: 34 of 1,601,274 alleles (0.0021%); highest among the groups gnomAD compares: Non-Finnish European, 0.0028%; no homozygotes.

Submission:

Labcorp Genetics (formerly Invitae), Labcorp
Classification: Uncertain significance for Autosomal recessive mendelian susceptibility to mycobacterial diseases due to complete RORgamma receptor deficiency. Last evaluated: 2022-10-24. Review status: criteria provided, single submitter. Criteria: Invitae Variant Classification Sherloc (09022015). Collection method: clinical testing. Allele origin: germline.
Comment: In summary, the available evidence is currently insufficient to determine the role of this variant in disease. Therefore, it has been classified as a Variant of Uncertain Significance. Algorithms developed to predict the effect of missense changes on protein structure and function (SIFT, PolyPhen-2, Align-GVGD) all suggest that this variant is likely to be tolerated. This variant has not been reported in the literature in individuals affected with RORC-related conditions. This variant is present in population databases (rs770398960, gnomAD 0.0009%). This sequence change replaces proline, which is neutral and non-polar, with threonine, which is neutral and polar, at codon 132 of the RORC protein (p.Pro132Thr).